The following is an entry in ClinVar:

ClinVar aggregate classification (germline): Pathogenic. Review status: criteria provided, multiple submitters, no conflicts (2 of 4 stars). 8 submissions from 8 submitters: Pathogenic (7). 1 of the submissions does not count toward it. Last evaluated 2026-08-17.

Conditions:
RHO-related disorder. Also called: RHO-related condition.
Retinitis pigmentosa 4 (RP4). Also called: RETINITIS PIGMENTOSA, RHODOPSIN-RELATED. Identifiers: Orphanet 791, MedGen C3151001, MONDO:0013395, OMIM 613731.
Pigmentary retinal dystrophy. Also called: Fundus albipunctatus. Identifiers: Orphanet 227796, Orphanet 52427, MedGen C0311338, MONDO:0007639, OMIM 136880, HP:0030642.
Congenital stationary night blindness autosomal dominant 1. Also called: NIGHT BLINDNESS, CONGENITAL STATIONARY, RHODOPSIN-RELATED. Identifiers: Orphanet 215, MedGen C1864869, MONDO:0012498, OMIM 610445.

Allele frequency attached by ClinVar (database versions not stated): gnomAD exomes below 0.00001; TOPMed 0.00001.
gnomAD v4.1: 1 of 1,614,210 alleles (0.000062%); highest among the groups gnomAD compares: Non-Finnish European, 0.000085%; no homozygotes.

Submissions (8):

PreventionGenetics, part of Exact Sciences
Classification: Pathogenic for RHO-related condition. Last evaluated: 2026-08-17. Review status: criteria provided, single submitter. Criteria: ACMG Guidelines, 2015. Collection method: clinical testing. Allele origin: germline.
Comment: The RHO c.68C>A variant is predicted to result in the amino acid substitution p.Pro23His. This variant has been reported as a recurrent causative variant for autosomal dominant retinitis pigmentosa (see for examples Dryja et al. 1990. PubMed ID: 2137202; Sohocki et al. 2001. PubMed ID: 11139241; Coussa et al. 2019. PubMed ID: 31908405; Table S1, Lin et al. 2024. PubMed ID: 38219857). Patients with this variant have been reported to exhibit interfamilial and intrafamilial phenotypic variability (Berson et al. 1991. PubMed ID: 1987956). Several functional studies have shown that the p.Pro23His substitution decreases both protein stability and activity (see for example Krebs et al. 2010. PubMed ID: 19913029). This variant is absent in a large population database (gnomAD), indicating this variant is rare. Given the evidence, we interpret this variant as pathogenic for autosomal dominant disease.

Labcorp Genetics (formerly Invitae), Labcorp
Classification: Pathogenic. Last evaluated: 2026-01-26. Review status: criteria provided, single submitter. Criteria: Invitae Variant Classification Sherloc (09022015). Collection method: clinical testing. Allele origin: germline.
Comment: This sequence change replaces proline, which is neutral and non-polar, with histidine, which is basic and polar, at codon 23 of the RHO protein (p.Pro23His). This variant is not present in population databases (gnomAD no frequency). This missense change has been observed in individuals with autosomal dominant retinitis pigmentosa (PMID: 1987956, 2137202, 11879142, 28559085). It has also been observed to segregate with disease in related individuals. ClinVar contains an entry for this variant (Variation ID: 13013). Invitae Evidence Modeling of protein sequence and biophysical properties (such as structural, functional, and spatial information, amino acid conservation, physicochemical variation, residue mobility, and thermodynamic stability) indicates that this missense variant is expected to disrupt RHO protein function with a positive predictive value of 95%. Experimental studies have shown that this missense change affects RHO function (PMID: 1418997, 19913029, 22323724, 24853414). For these reasons, this variant has been classified as Pathogenic.

GeneDx
Classification: Pathogenic. Last evaluated: 2022-11-21. Review status: criteria provided, single submitter. Criteria: GeneDx Variant Classification Process June 2021. Collection method: clinical testing. Allele origin: germline. Affected: yes.
Comment: Published functional studies demonstrate a damaging effect with impaired function and decreased thermal stability of the RHO protein as well as increased photoreceptor cell death (Noorwez et al., 2004; Comitato et al., 2016); Not observed at significant frequency in large population cohorts (gnomAD); In silico analysis supports that this missense variant has a deleterious effect on protein structure/function; This variant is associated with the following publications: (PMID: 19913029, 24853414, 21372525, 24515108, 19933196, 22110080, 24618321, 20164459, 21094163, 23185477, 8643442, 16799052, 29890221, 26427410, 34666717, 30977563, 18385078, 31717845, 20805032, 24214395, 22323724, 24106275, 21224384, 22276148, 27149983, 27654411, 26202387, 2137202, 28559085, 31100078, 31908405, 11139241, 2239971, 32037395, 14769795)

Blueprint Genetics
Classification: Pathogenic for RHO-related disorders. Last evaluated: 2022-11-06. Review status: criteria provided, single submitter. Criteria: ACMG Guidelines, 2015. Collection method: clinical testing. Allele origin: germline. Affected: yes. Observed: 5 variant alleles.

Fulgent Genetics
Classification: Pathogenic for Pigmentary retinal dystrophy; Congenital stationary night blindness autosomal dominant 1; Retinitis pigmentosa 4. Last evaluated: 2022-01-24. Review status: criteria provided, single submitter. Criteria: ACMG Guidelines, 2015. Collection method: clinical testing. Allele origin: unknown.

Ocular Genomics Institute, Massachusetts Eye and Ear
Classification: Pathogenic for Retinitis pigmentosa 4. Last evaluated: 2021-04-08. Review status: criteria provided, single submitter. Criteria: ACMG Guidelines, 2015. Collection method: research. Allele origin: germline. Affected: yes.
Comment: Through a review of available evidence we were able to apply the following criteria: PS3, PM1, PM2, PP1, PP3. Based on this evidence we have classified this variant as Pathogenic.

ARUP Laboratories, Molecular Genetics and Genomics, ARUP Laboratories
Classification: Pathogenic. Last evaluated: 2017-12-05. Review status: criteria provided, single submitter. Criteria: ARUP Molecular Germline Variant Investigation Process. Collection method: clinical testing. Allele origin: germline.
Comment: The RHO c.68C>A; p.Pro23His variant (rs104893768) is published in the medical literature in individuals and families with autosomal dominant retinitis pigmentosa (RP; Bonilha 2015, Dryja 1990, Jacobson 2016). Additionally, other variants in this codon, p.Pro23Ala and p.Pro23Leu are described in individuals and families with autosomal dominant RP (Dryja 1991, Oh 2000). The c.68C>A; p.Pro23His variant is listed in the ClinVar database (Variation ID: 13013), but not in the Genome Aggregation Database, indicating it is not a common polymorphism. The proline at this position is well conserved across species and computational algorithms (PolyPhen-2, SIFT) predict the p.Pro23His variant is deleterious. Additionally, functional studies in a mouse model show this variant causes altered function (Comitato 2016). Considering available information, this variant is classified as pathogenic. Pathogenic RHO variants are causative for autosomal dominant or recessive retinitis pigmentosa (MIM#613731). References: Bonilha VL et al. Retinal histopathology in eyes from patients with autosomal dominant retinitis pigmentosa caused by rhodopsin mutations. Graefes Arch Clin Exp Ophthalmol. 2015 Dec;253(12):2161-9. Comitato A et al. Dominant and recessive mutations in rhodopsin activate different cell death pathways. Hum Mol Genet. 2016 Jul 1;25(13):2801-2812. Dryja TP et al. A point mutation of the rhodopsin gene in one form of retinitis pigmentosa. Nature. 1990 Jan 25;343(6256):364-6. Dryja TP et al. Mutation spectrum of the rhodopsin gene among patients with autosomal dominant retinitis pigmentosa. Proc Natl Acad Sci U S A. 1991 Oct 15;88(20):9370-4. Jacobson SG et al. Complexity of the Class B Phenotype in Autosomal Dominant Retinitis Pigmentosa Due to Rhodopsin Mutations. Invest Ophthalmol Vis Sci. 2016 Sep 1;57(11):4847-4858. Oh KT et al. Description of a new mutation in rhodopsin, Pro23Ala, and comparison with electroretinographic and clinical characteristics of the Pro23His mutation. Arch Ophthalmol. 2000 Sep;118(9):1269-76.

OMIM
Classification: Pathogenic for RETINITIS PIGMENTOSA 4. Last evaluated: 2005-01-14. Review status: no assertion criteria provided. Collection method: literature only. Allele origin: germline. Not counted in ClinVar's aggregate classification.

Literature cited by the submitters: PubMed 1987956 (cited by 3 submitters); PubMed 2137202 (cited by 3 submitters); PubMed 11879142 (cited by Labcorp Genetics (formerly Invitae), Labcorp); PubMed 28559085 (cited by Labcorp Genetics (formerly Invitae), Labcorp and Ocular Genomics Institute, Massachusetts Eye and Ear); PubMed 1418997 (cited by Labcorp Genetics (formerly Invitae), Labcorp); PubMed 19913029 (cited by Labcorp Genetics (formerly Invitae), Labcorp and Ocular Genomics Institute, Massachusetts Eye and Ear); PubMed 22323724 (cited by Labcorp Genetics (formerly Invitae), Labcorp); PubMed 24853414 (cited by Labcorp Genetics (formerly Invitae), Labcorp); PubMed 15509574 (cited by Ocular Genomics Institute, Massachusetts Eye and Ear and OMIM); PubMed 14769795 (cited by Ocular Genomics Institute, Massachusetts Eye and Ear and OMIM); PubMed 12091393 (cited by Ocular Genomics Institute, Massachusetts Eye and Ear and OMIM); PubMed 20805032 (cited by Ocular Genomics Institute, Massachusetts Eye and Ear); PubMed 19933196 (cited by Ocular Genomics Institute, Massachusetts Eye and Ear); PubMed 22110080 (cited by Ocular Genomics Institute, Massachusetts Eye and Ear); PubMed 26202387 (cited by Ocular Genomics Institute, Massachusetts Eye and Ear); PubMed 2239971 (cited by Ocular Genomics Institute, Massachusetts Eye and Ear and OMIM); PubMed 1987955 (cited by Ocular Genomics Institute, Massachusetts Eye and Ear and OMIM).

NM_000539.3(RHO):c.68C>A (p.Pro23His)

Gene: RHO (rhodopsin; plus strand). Cytogenetic location: 3q22.1.
Variant type: single nucleotide variant.
Coding change: c.68C>A on transcript NM_000539.3 (MANE Select); coding-DNA position 68, C replaced by A.
Protein change: p.Pro23His; replaces proline 23 with histidine.
Molecular consequence: missense variant.
Genome position (GRCh38, 1-based): chr3:129,528,801, C>A. VCF-style: chr3-129528801-C-A. GRCh37 (hg19) VCF-style: chr3-129247644-C-A.
Other names: short protein forms P23H.
Identifiers: ClinVar variation 13013 (VCV000013013.25), dbSNP rs104893768, ClinGen allele CA256661.